The following is an entry in ClinVar:

ClinVar aggregate classification (germline): Uncertain significance. Review status: criteria provided, multiple submitters, no conflicts (2 of 4 stars). 2 submissions from 2 submitters: Uncertain significance (2). Last evaluated 2026-01-31.

Conditions:
Inborn genetic diseases. Identifiers: MedGen C0950123, MeSH D030342.

Allele frequency attached by ClinVar (database versions not stated): ESP Exome Variant Server 0.00008; 1000 Genomes Project 0.00020; 1000 Genomes Project 30x 0.00031; ExAC 0.00007; TOPMed 0.00010; gnomAD 0.00010.
gnomAD v4.1: 112 of 1,614,116 alleles (0.0069%); highest among the groups gnomAD compares: Middle Eastern, 0.21%; no homozygotes.

Submissions (2):

Labcorp Genetics (formerly Invitae), Labcorp
Classification: Uncertain significance. Last evaluated: 2026-01-31. Review status: criteria provided, single submitter. Criteria: Invitae Variant Classification Sherloc (09022015). Collection method: clinical testing. Allele origin: germline.
Comment: This sequence change replaces arginine, which is basic and polar, with glutamine, which is neutral and polar, at codon 442 of the MBD4 protein (p.Arg442Gln). This variant is present in population databases (rs200995882, gnomAD 0.01%). This variant has not been reported in the literature in individuals affected with MBD4-related conditions. ClinVar contains an entry for this variant (Variation ID: 2722820). An algorithm developed to predict the effect of missense changes on protein structure and function (PolyPhen-2) suggests that this variant is likely to be disruptive. In summary, the available evidence is currently insufficient to determine the role of this variant in disease. Therefore, it has been classified as a Variant of Uncertain Significance.

Ambry Genetics
Classification: Uncertain significance for Inborn genetic diseases. Last evaluated: 2024-12-06. Review status: criteria provided, single submitter. Criteria: Ambry Variant Classification Scheme 2023. Collection method: clinical testing. Allele origin: germline.
Comment: The p.R436Q variant (also known as c.1307G>A), located in coding exon 5 of the MBD4 gene, results from a G to A substitution at nucleotide position 1307. The arginine at codon 436 is replaced by glutamine, an amino acid with highly similar properties. This amino acid position is highly conserved in available vertebrate species. In addition, the in silico prediction for this alteration is inconclusive. Based on the available evidence, the clinical significance of this variant remains unclear.

NM_001276270.2(MBD4):c.1307G>A (p.Arg436Gln)

Gene: MBD4 (methyl-CpG binding domain 4, DNA glycosylase; minus strand). Cytogenetic location: 3q21.3.
Variant type: single nucleotide variant.
Coding change: c.1307G>A on transcript NM_001276270.2 (MANE Select); coding-DNA position 1307, G replaced by A.
Protein change: p.Arg436Gln; replaces arginine 436 with glutamine.
Molecular consequence: missense variant.
Genome position (GRCh38, 1-based): chr3:129,433,936, C>T on the plus strand (G>A on the coding strand, the complement: MBD4 is on the minus strand). VCF-style: chr3-129433936-C-T. GRCh37 (hg19) VCF-style: chr3-129152779-C-T.
Other names: c.1325G>A, p.Arg442Gln (NM_001276271.2, NM_001276272.2, NM_003925.3); c.371G>A, p.Arg124Gln (NM_001276273.2); short protein forms R442Q, R436Q, R124Q.
Identifiers: ClinVar variation 2722820 (VCV002722820.4), dbSNP rs200995882, ClinGen allele CA2605329.